The following is an entry in ClinVar:

NM_000169.3(GLA):c.796G>A (p.Asp266Asn)

Genes: GLA (galactosidase alpha; minus strand), RPL36A-HNRNPH2 (RPL36A-HNRNPH2 readthrough; plus strand). Cytogenetic location: Xq22.1.
Variant type: single nucleotide variant.
Coding change: c.796G>A on transcript NM_000169.3 (MANE Select); coding-DNA position 796, G replaced by A.
Protein change: p.Asp266Asn; replaces aspartic acid 266 with asparagine.
Molecular consequence: missense variant. On other transcripts: non-coding transcript variant (3), intron variant (2).
Genome position (GRCh38, 1-based): chrX:101,398,790, C>T on the plus strand (G>A on the coding strand, the complement: GLA is on the minus strand). VCF-style: chrX-101398790-C-T. GRCh37 (hg19) VCF-style: chrX-100653778-C-T.
Other names: c.919G>A, p.Asp307Asn (NM_001406747.1); c.796G>A, p.Asp266Asn (NM_001406748.1); c.300+3333C>T (NM_001199973.2); c.177+6968C>T (NM_001199974.2); short protein forms D266N, D307N.
Identifiers: ClinVar variation 2444391 (VCV002444391.3), dbSNP rs869312407, ClinGen allele CA352670.

ClinVar aggregate classification (germline): Pathogenic. Review status: criteria provided, multiple submitters, no conflicts (2 of 4 stars). 2 submissions from 2 submitters: Pathogenic (2). Last evaluated 2026-09-08.

Conditions:
Fabry disease. Also called: Ceramide trihexosidosis; Fabry's disease; ALPHA-GALACTOSIDASE A DEFICIENCY; ANDERSON-FABRY DISEASE; CERAMIDE TRIHEXOSIDASE DEFICIENCY; GLA DEFICIENCY. Identifiers: Orphanet 324, MedGen C0002986, MONDO:0010526, OMIM 301500, HP:0001071. Disease mechanism: Fabry disease is due to inactivating mutations in the X-linked GLA gene resulting in deficiency of the enzyme Alpha Galactosidase-A., loss of function.

Submissions (2):

Genomenon, Inc
Classification: Pathogenic for Fabry disease. Last evaluated: 2026-09-08. Review status: criteria provided, single submitter. Criteria: Genomenon Sequence Variant Interpretation Standards - Updated. Collection method: curation. Allele origin: germline. Affected: yes.
Comment: GLA p.Asp266Asn (c.796G>A) is a missense variant that changes the amino acid at codon 266 from Aspartic acid to Asparagine. This variant has been observed in at least one proband with clinical features consistent with Fabry disease (PMID:24094560;11076046;30468909;27334365;39609713;35722479). The variant was found to segregate with disease in at least one affected family (PMID:30468909;27334365). At least one functional study has demonstrated a substantial alteration in protein function relative to the wild-type (PMID:19287194;27657681;20505683). This variant is located in a mutational hotspot and/or important functional domain. It is absent or not present at a significant frequency in gnomAD. In silico models predict that this variant is possibly or probably damaging. In conclusion, we classify GLA p.Asp266Asn (c.796G>A) as a pathogenic variant.

3billion
Classification: Pathogenic for Fabry disease. Last evaluated: 2023-02-23. Review status: criteria provided, single submitter. Criteria: ACMG Guidelines, 2015. Collection method: clinical testing. Allele origin: unknown. Affected: yes.
Comment: The variant is not observed in the gnomAD v2.1.1 dataset. The variant is located in a mutational hot spot and/or well-established functional domain in which established pathogenic variants have been reported. Missense changes are a common disease-causing mechanism. Functional studies provide strong evidence of the variant having a damaging effect on the gene or gene product (PMID: 19287194, 20505683, 27657681). In silico tool predictions suggest damaging effect of the variant on gene or gene product (REVEL: 0.93; 3Cnet: 1.00). Same nucleotide change resulting in same amino acid change has been previously reported to be associated with GLA related disorder (PMID: 11076046 / 3billion dataset). Different missense changes at the same codon (p.Asp266Ala, p.Asp266Glu, p.Asp266Gly, p.Asp266His, p.Asp266Tyr, p.Asp266Val) have been reported as pathogenic/likely pathogenic with strong evidence (ClinVar ID: VCV000010735 / PMID: 10916280, 12428061, 18849176, 23568732, 33204599, 7504405). Therefore, this variant is classified as Pathogenic according to the recommendation of ACMG/AMP guideline.

Literature cited by the submitters: PubMed 24094560 (cited by Genomenon, Inc); PubMed 11076046 (cited by Genomenon, Inc and 3billion); PubMed 30468909 (cited by Genomenon, Inc); PubMed 27334365 (cited by Genomenon, Inc); PubMed 39609713 (cited by Genomenon, Inc); PubMed 35722479 (cited by Genomenon, Inc); PubMed 19287194 (cited by Genomenon, Inc and 3billion); PubMed 27657681 (cited by Genomenon, Inc and 3billion); PubMed 20505683 (cited by Genomenon, Inc and 3billion); PubMed 23568732 (cited by 3billion); PubMed 7504405 (cited by 3billion); PubMed 10916280 (cited by 3billion); PubMed 12428061 (cited by 3billion); PubMed 33204599 (cited by 3billion); PubMed 18849176 (cited by 3billion).